The following is an entry in ClinVar:

NM_001868.4(CPA1):c.739C>T (p.Leu247Phe)

Gene: CPA1 (carboxypeptidase A1; plus strand). Cytogenetic location: 7q32.2.
Variant type: single nucleotide variant.
Coding change: c.739C>T on transcript NM_001868.4 (MANE Select); coding-DNA position 739, C replaced by T.
Protein change: p.Leu247Phe; replaces leucine 247 with phenylalanine.
Molecular consequence: missense variant.
Genome position (GRCh38, 1-based): chr7:130,384,578, C>T. VCF-style: chr7-130384578-C-T. GRCh37 (hg19) VCF-style: chr7-130024419-C-T.
Other names: short protein forms L247F.
Identifiers: ClinVar variation 1758698 (VCV001758698.3), dbSNP rs1796448904, ClinGen allele CA369282967.

ClinVar aggregate classification (germline): Uncertain significance (1 of 4 stars; one submission).

Conditions:
Hereditary pancreatitis (PCTT). Also called: Hereditary chronic pancreatitis; PRSS1-Related Hereditary Pancreatitis. Identifiers: Orphanet 676, MedGen C0238339, MONDO:0008185, OMIM 167800.

Allele frequency attached by ClinVar (database versions not stated): TOPMed 0.00002.

Submission:

Ambry Genetics
Classification: Uncertain significance for Hereditary pancreatitis. Last evaluated: 2024-11-01. Review status: criteria provided, single submitter. Criteria: Ambry Variant Classification Scheme 2023. Collection method: clinical testing. Allele origin: germline.
Comment: The p.L247F variant (also known as c.739C>T), located in coding exon 7 of the CPA1 gene, results from a C to T substitution at nucleotide position 739. The leucine at codon 247 is replaced by phenylalanine, an amino acid with highly similar properties. This amino acid position is conserved. In addition, this alteration is predicted to be tolerated by in silico analysis. Since supporting evidence is limited at this time, the clinical significance of this alteration remains unclear.